The following is an entry in ClinVar:

NM_000179.3(MSH6):c.274C>A (p.Pro92Thr)

Gene: MSH6 (mutS homolog 6; plus strand). Cytogenetic location: 2p16.3.
Variant type: single nucleotide variant.
Coding change: c.274C>A on transcript NM_000179.3 (MANE Select); coding-DNA position 274, C replaced by A.
Protein change: p.Pro92Thr; replaces proline 92 with threonine.
Molecular consequence: missense variant. On other transcripts: 5 prime UTR variant (21), non-coding transcript variant (5), intron variant (5).
Genome position (GRCh38, 1-based): chr2:47,790,940, C>A. VCF-style: chr2-47790940-C-A. GRCh37 (hg19) VCF-style: chr2-48018079-C-A.
Other names: c.-463C>A (NM_001281493.2, NM_001406811.1, NM_001406823.1 and 1 more transcripts); c.-629C>A (NM_001281494.2); c.370C>A, p.Pro124Thr (NM_001406795.1, NM_001406802.1); c.274C>A, p.Pro92Thr (NM_001406796.1, NM_001406798.1, NM_001406800.1 and 6 more transcripts); c.-24C>A (NM_001406797.1, NM_001406801.1, NM_001406805.1 and 10 more transcripts); c.196C>A, p.Pro66Thr (NM_001406804.1); c.-655C>A (NM_001406807.1); c.-310C>A (NM_001406812.1); and 6 more; short protein forms P124T, P36T, P66T, P92T.
Identifiers: ClinVar variation 4860401 (VCV004860401.1).

ClinVar aggregate classification (germline): Uncertain significance (1 of 4 stars; one submission).

Conditions:
Hereditary cancer-predisposing syndrome. Also called: Neoplastic Syndromes, Hereditary; Tumor predisposition; Hereditary Cancer Syndrome; Hereditary neoplastic syndrome. Identifiers: Orphanet 140162, MedGen C0027672, MeSH D009386, MONDO:0015356.

gnomAD v4.1: 1 of 1,614,182 alleles (0.000062%); highest among the groups gnomAD compares: Non-Finnish European, 0.000085%; no homozygotes.

Submission:

Ambry Genetics
Classification: Uncertain significance for Hereditary cancer-predisposing syndrome. Last evaluated: 2026-04-24. Review status: criteria provided, single submitter. Criteria: Ambry Variant Classification Scheme 2023. Collection method: clinical testing. Allele origin: germline.
Comment: The p.P92T variant (also known as c.274C>A), located in coding exon 2 of the MSH6 gene, results from a C to A substitution at nucleotide position 274. The proline at codon 92 is replaced by threonine, an amino acid with highly similar properties. This amino acid position is highly conserved in available vertebrate species. In addition, this alteration is predicted to be tolerated by in silico analysis. Based on the available evidence, the clinical significance of this variant remains unclear.